The following is an entry in ClinVar:

ClinVar aggregate classification (germline): Uncertain significance (1 of 4 stars; one submission).

Conditions:
Hereditary cancer-predisposing syndrome. Also called: Neoplastic Syndromes, Hereditary; Tumor predisposition; Hereditary Cancer Syndrome; Hereditary neoplastic syndrome. Identifiers: Orphanet 140162, MedGen C0027672, MeSH D009386, MONDO:0015356.

Submission:

Ambry Genetics
Classification: Uncertain significance for Hereditary cancer-predisposing syndrome. Last evaluated: 2024-09-16. Review status: criteria provided, single submitter. Criteria: Ambry Variant Classification Scheme 2023. Collection method: clinical testing. Allele origin: germline.
Comment: The p.Q1152K variant (also known as c.3454C>A), located in coding exon 28 of the POLE gene, results from a C to A substitution at nucleotide position 3454. The glutamine at codon 1152 is replaced by lysine, an amino acid with similar properties. This amino acid position is conserved. In addition, the in silico prediction for this alteration is inconclusive. Based on the available evidence, the clinical significance of this variant remains unclear.

NM_006231.4(POLE):c.3454C>A (p.Gln1152Lys)

Gene: POLE (DNA polymerase epsilon, catalytic subunit; minus strand). Cytogenetic location: 12q24.33.
Variant type: single nucleotide variant.
Coding change: c.3454C>A on transcript NM_006231.4 (MANE Select); coding-DNA position 3454, C replaced by A.
Protein change: p.Gln1152Lys; replaces glutamine 1152 with lysine.
Molecular consequence: missense variant.
Genome position (GRCh38, 1-based): chr12:132,657,354, G>T on the plus strand (C>A on the coding strand, the complement: POLE is on the minus strand). VCF-style: chr12-132657354-G-T. GRCh37 (hg19) VCF-style: chr12-133233940-G-T.
Other names: short protein forms Q1152K.
Identifiers: ClinVar variation 3422165 (VCV003422165.1).
Genomic context (GRCh38, chr12:132,657,354, plus strand): 5'-TGTCTAACTGCACAGTTTTTAGCCCCACAGCCCGTGCCACTGACCCCGCCCTTACCTGCT[G>T]CAGGGCCGCAGGGATGGTGATGATCTTCTGGATGGCGCTTCCCAGCCGCTCAATGTAGTA-3'
Protein context (NP_006222.2, residues 1142-1162): QKIITIPAAL[Gln1152Lys]QVKNPVPRVK